The following is an entry in ClinVar:

NM_000179.3(MSH6):c.2285T>C (p.Val762Ala)

Gene: MSH6 (mutS homolog 6; plus strand). Cytogenetic location: 2p16.3.
Variant type: single nucleotide variant.
Coding change: c.2285T>C on transcript NM_000179.3 (MANE Select); coding-DNA position 2285, T replaced by C.
Protein change: p.Val762Ala; replaces valine 762 with alanine.
Molecular consequence: missense variant.
Genome position (GRCh38, 1-based): chr2:47,800,268, T>C. VCF-style: chr2-47800268-T-C. GRCh37 (hg19) VCF-style: chr2-48027407-T-C.
Other names: c.1895T>C, p.Val632Ala (NM_001281492.2); c.1379T>C, p.Val460Ala (NM_001281493.2, NM_001281494.2); short protein forms V460A, V762A, V632A.
Identifiers: ClinVar variation 1488147 (VCV001488147.9), dbSNP rs2104398448, ClinGen allele CA346752924.

ClinVar aggregate classification (germline): Uncertain significance. Review status: criteria provided, multiple submitters, no conflicts (2 of 4 stars). 2 submissions from 2 submitters: Uncertain significance (2). Last evaluated 2024-11-21.

Conditions:
Hereditary cancer-predisposing syndrome. Also called: Hereditary neoplastic syndrome; Neoplastic Syndromes, Hereditary; Hereditary Cancer Syndrome; Tumor predisposition. Identifiers: Orphanet 140162, MedGen C0027672, MeSH D009386, MONDO:0015356.
Hereditary nonpolyposis colorectal neoplasms. Identifiers: MedGen C0009405, MeSH D003123.

Submissions (2):

Ambry Genetics
Classification: Uncertain significance for Hereditary cancer-predisposing syndrome. Last evaluated: 2024-11-21. Review status: criteria provided, single submitter. Criteria: Ambry Variant Classification Scheme 2023. Collection method: clinical testing. Allele origin: germline.
Comment: The p.V762A variant (also known as c.2285T>C), located in coding exon 4 of the MSH6 gene, results from a T to C substitution at nucleotide position 2285. The valine at codon 762 is replaced by alanine, an amino acid with similar properties. This amino acid position is poorly conserved in available vertebrate species. In addition, the in silico prediction for this alteration is inconclusive. Based on the available evidence, the clinical significance of this variant remains unclear.

Labcorp Genetics (formerly Invitae), Labcorp
Classification: Uncertain significance for Hereditary nonpolyposis colorectal neoplasms. Last evaluated: 2021-09-02. Review status: criteria provided, single submitter. Criteria: Invitae Variant Classification Sherloc (09022015). Collection method: clinical testing. Allele origin: germline.
Comment: In summary, the available evidence is currently insufficient to determine the role of this variant in disease. Therefore, it has been classified as a Variant of Uncertain Significance. Advanced modeling of protein sequence and biophysical properties (such as structural, functional, and spatial information, amino acid conservation, physicochemical variation, residue mobility, and thermodynamic stability) performed at Invitae indicates that this missense variant is not expected to disrupt MSH6 protein function. This variant has not been reported in the literature in individuals affected with MSH6-related conditions. This variant is not present in population databases (ExAC no frequency). This sequence change replaces valine with alanine at codon 762 of the MSH6 protein (p.Val762Ala). The valine residue is weakly conserved and there is a small physicochemical difference between valine and alanine.